The following is an entry in ClinVar:

ClinVar aggregate classification (germline): Pathogenic (1 of 4 stars; one submission).

Conditions:
Inborn genetic diseases. Identifiers: MedGen C0950123, MeSH D030342.

Submission:

Ambry Genetics
Classification: Pathogenic for Inborn genetic diseases. Last evaluated: 2024-02-14. Review status: criteria provided, single submitter. Criteria: Ambry Variant Classification Scheme 2023. Collection method: clinical testing. Allele origin: germline.
Comment: The c.1540dupT (p.S514Ffs*8) alteration, located in exon 17 (coding exon 16) of the TCF12 gene, consists of a duplication of T at position 1540, causing a translational frameshift with a predicted alternate stop codon after 8 amino acids. This alteration is expected to result in loss of function by premature protein truncation or nonsense-mediated mRNA decay. This variant was not reported in population-based cohorts in the Genome Aggregation Database (gnomAD). Based on the available evidence, this alteration is classified as pathogenic.

NM_207037.2(TCF12):c.1540dup (p.Ser514fs)

Gene: TCF12 (transcription factor 12; plus strand). Cytogenetic location: 15q21.3.
Variant type: Duplication.
Coding change: c.1540dup on transcript NM_207037.2 (MANE Select); coding-DNA position 1540, one base duplicated (T; older notation c.1540dupT).
Protein change: p.Ser514fs; shifts the reading frame from serine 514.
Molecular consequence: frameshift variant.
Genome position (GRCh38, 1-based): chr15:57,262,166, T duplicated; the last of 2 consecutive T bases (chr15:57,262,165-57,262,166); duplicating either gives the same sequence. VCF-style (leftmost placement, unchanged base first): chr15-57262164-C-CT. GRCh37 (hg19) VCF-style: chr15-57554362-C-CT.
Other names: c.1030dup, p.Ser344fs (NM_001306219.3); c.760dup, p.Ser254fs (NM_001306220.3); c.1540dup, p.Ser514fs (NM_001322151.2, NM_001322152.2, NM_001322159.3 and 2 more transcripts); c.883dup, p.Ser295fs (NM_001322154.2); c.1366dup, p.Ser456fs (NM_001322156.2); c.1468dup, p.Ser490fs (NM_001322157.3, NM_001322165.2, NM_003205.4 and 1 more transcripts); c.1294dup, p.Ser432fs (NM_001322158.2); c.1537dup, p.Ser513fs (NM_001322161.2); and 2 more; short protein forms S295fs, S320fs, S490fs, S254fs, S456fs, S513fs, S432fs, S502fs.
Identifiers: ClinVar variation 3175091 (VCV003175091.1), dbSNP rs2551491721, ClinGen allele CA2825002288.
Genomic context (GRCh38, chr15:57,262,164, plus strand): 5'-ATCGGGAAGACTCTGTCAGTCTCAATGGCAATCATTCAGTCCTGTCTAGTACAGTCACTA[C>CT]TTCAAGCACAGACCTGAACCATAAAACACAAGAAAATTATAGAGGTAACTATATTGTTGG-3'